The following is an entry in ClinVar:

NM_001278293.3(ARL6):c.307G>T (p.Val103Phe)

Gene: ARL6 (ARF like GTPase 6; plus strand). Cytogenetic location: 3q11.2.
Variant type: single nucleotide variant.
Coding change: c.307G>T on transcript NM_001278293.3 (MANE Select); coding-DNA position 307, G replaced by T.
Protein change: p.Val103Phe; replaces valine 103 with phenylalanine.
Molecular consequence: missense variant. On other transcripts: non-coding transcript variant (7).
Genome position (GRCh38, 1-based): chr3:97,785,007, G>T. VCF-style: chr3-97785007-G-T. GRCh37 (hg19) VCF-style: chr3-97503851-G-T.
Other names: c.307G>T, p.Val103Phe (NM_001323513.2, NM_001323514.2, NM_032146.5 and 1 more transcripts); short protein forms V103F.
Identifiers: ClinVar variation 1483908 (VCV001483908.4), dbSNP rs774150149, ClinGen allele CA2505924.
Genomic context (GRCh38, chr3:97,785,007, plus strand): 5'-TTACACAGAGAAGGCCAAGCTATTATTTTTGTCATTGATAGTAGTGATAGATTAAGAATG[G>T]TTGTGGCCAAAGAAGAACTCGATACTCTTCTGAATCATCCAGGTATGTGTGTGTCTTTCA-3'
Protein context (NP_001265222.1, residues 93-113): VIDSSDRLRM[Val103Phe]VAKEELDTLL

ClinVar aggregate classification (germline): Uncertain significance. Review status: criteria provided, multiple submitters, no conflicts (2 of 4 stars). 2 submissions from 2 submitters: Uncertain significance (2). Last evaluated 2022-09-02.

Conditions:
Bardet-Biedl syndrome 3 (BBS3). Identifiers: Orphanet 110, MedGen C1859564, MONDO:0010832, OMIM 600151.
Retinitis pigmentosa 55 (RP55). Identifiers: Orphanet 791, MedGen C3150808, MONDO:0013312, OMIM 613575.

Allele frequency attached by ClinVar (database versions not stated): ExAC 0.00001; gnomAD 0.00001; TOPMed 0.00001; gnomAD exomes 0.00002.
gnomAD v4.1: 48 of 1,612,942 alleles (0.003%); highest among the groups gnomAD compares: Non-Finnish European, 0.0041%; no homozygotes.

Submissions (2):

Blueprint Genetics
Classification: Uncertain significance. Last evaluated: 2022-09-02. Review status: criteria provided, single submitter. Criteria: ACMG Guidelines, 2015. Collection method: clinical testing. Allele origin: germline.

Labcorp Genetics (formerly Invitae), Labcorp
Classification: Uncertain significance for Retinitis pigmentosa 55; Bardet-Biedl syndrome 3. Last evaluated: 2022-03-18. Review status: criteria provided, single submitter. Criteria: Invitae Variant Classification Sherloc (09022015). Collection method: clinical testing. Allele origin: germline.
Comment: This sequence change replaces valine, which is neutral and non-polar, with phenylalanine, which is neutral and non-polar, at codon 103 of the ARL6 protein (p.Val103Phe). This variant is present in population databases (rs774150149, gnomAD 0.0009%). This variant has not been reported in the literature in individuals affected with ARL6-related conditions. Algorithms developed to predict the effect of missense changes on protein structure and function are either unavailable or do not agree on the potential impact of this missense change (SIFT: "Deleterious"; PolyPhen-2: "Possibly Damaging"; Align-GVGD: "Class C0"). In summary, the available evidence is currently insufficient to determine the role of this variant in disease. Therefore, it has been classified as a Variant of Uncertain Significance.